The following is an entry in ClinVar:

ClinVar aggregate classification (germline): Likely benign. Review status: criteria provided, single submitter (1 of 4 stars). 2 submissions from 2 submitters: Likely benign (1). 1 of the submissions does not count toward it. Last evaluated 2023-10-17.

Conditions:
Imerslund-Grasbeck syndrome. Also called: ENTEROCYTE COBALAMIN MALABSORPTION; Imerslund-Gräsbeck syndrome; ENTEROCYTE INTRINSIC FACTOR RECEPTOR, DEFECT OF; PERNICIOUS ANEMIA, JUVENILE, DUE TO SELECTIVE INTESTINAL MALABSORPTION OF VITAMIN B12, WITH PROTEINURIA; Megaloblastic anemia due to inborn errors of metabolism. Identifiers: Orphanet 35858, MedGen C4551825, MONDO:0009853.
AMN-related disorder. Also called: AMN-related condition.

Allele frequency attached by ClinVar (database versions not stated): gnomAD exomes below 0.00001.
gnomAD v4.1: 1 of 1,546,228 alleles (0.000065%); highest among the groups gnomAD compares: Non-Finnish European, 0.000087%; no homozygotes.

Submissions (2):

Labcorp Genetics (formerly Invitae), Labcorp
Classification: Likely benign for Imerslund-Grasbeck syndrome. Last evaluated: 2023-10-17. Review status: criteria provided, single submitter. Criteria: Invitae Variant Classification Sherloc (09022015). Collection method: clinical testing. Allele origin: germline.

PreventionGenetics, part of Exact Sciences
Classification: Likely benign for AMN-related condition. Last evaluated: 2020-08-25. Review status: no assertion criteria provided. Collection method: clinical testing. Allele origin: germline. Not counted in ClinVar's aggregate classification.
Comment: This variant is classified as likely benign based on ACMG/AMP sequence variant interpretation guidelines (Richards et al. 2015 PMID: 25741868, with internal and published modifications).

NM_030943.4(AMN):c.975C>T (p.Ala325=)

Genes: AMN (amnion associated transmembrane protein; plus strand), LOC130056554 (ATAC-STARR-seq lymphoblastoid silent region 6136; plus strand). Cytogenetic location: 14q32.32.
Variant type: single nucleotide variant.
Coding change: c.975C>T on transcript NM_030943.4 (MANE Select); coding-DNA position 975, C replaced by T.
Protein change: p.Ala325=; no amino-acid change (alanine 325 retained).
Molecular consequence: synonymous variant.
Genome position (GRCh38, 1-based): chr14:102,930,055, C>T. VCF-style: chr14-102930055-C-T. GRCh37 (hg19) VCF-style: chr14-103396392-C-T.
Other names: c.813C>T, p.Ala271= (NM_001425246.1).
Identifiers: ClinVar variation 2995843 (VCV002995843.5), dbSNP rs1891300300, ClinGen allele CA487999634.
Genomic context (GRCh38, chr14:102,930,055, plus strand): 5'-GGAGATCCAGGTGGTGCTGGTGGAGAATGGGCCCGAGACAGGCGGAGCGGGGCGGCTGGC[C>T]CGGGCCCTCCTGGCGGACGTCGCCGAGAACGGTAACCGCGCCCGCCCCATCCCGCCCCGC-3'
Protein context (NP_112205.2, residues 315-335): GPETGGAGRL[Ala325=]RALLADVAEN